The following is an entry in ClinVar:

NM_153676.4(USH1C):c.-183T>G

Gene: USH1C (USH1 protein network component harmonin; minus strand). Cytogenetic location: 11p15.1.
Variant type: single nucleotide variant.
Coding change: c.-183T>G on transcript NM_153676.4 (MANE Select); 183 bases upstream of the start codon, T replaced by G.
Genome position (GRCh38, 1-based): chr11:17,544,490, A>C on the plus strand (T>G on the coding strand, the complement: USH1C is on the minus strand). VCF-style: chr11-17544490-A-C. GRCh37 (hg19) VCF-style: chr11-17566037-A-C.
Identifiers: ClinVar variation 670410 (VCV000670410.7), dbSNP rs1859819, ClinGen allele CA13375198.

ClinVar aggregate classification (germline): Benign. Review status: criteria provided, multiple submitters, no conflicts (2 of 4 stars). 4 submissions from 3 submitters: Benign (4). Last evaluated 2021-07-10.

Conditions:
Usher syndrome type 1C. Also called: USHER SYNDROME, TYPE I, ACADIAN VARIETY. Identifiers: Orphanet 231169, Orphanet 886, MedGen C1848604, MONDO:0010171, OMIM 276904.
Autosomal recessive nonsyndromic hearing loss 18A. Also called: Deafness, autosomal recessive 18A; DEAFNESS, AUTOSOMAL RECESSIVE 18. Identifiers: Orphanet 90636, MedGen C1865870, MONDO:0011192, OMIM 602092.

Allele frequency attached by ClinVar (database versions not stated): TOPMed 0.57151; gnomAD 0.57861 and 0.57652; 1000 Genomes Project 30x 0.60415; 1000 Genomes Project 0.60583.

Submissions (4):

Genome-Nilou Lab
Classification: Benign for Usher syndrome type 1C. Last evaluated: 2021-07-10. Review status: criteria provided, single submitter. Criteria: ACMG Guidelines, 2015. Collection method: clinical testing. Allele origin: germline. Affected: no.

Genome-Nilou Lab
Classification: Benign for Autosomal recessive nonsyndromic hearing loss 18A. Last evaluated: 2021-07-10. Review status: criteria provided, single submitter. Criteria: ACMG Guidelines, 2015. Collection method: clinical testing. Allele origin: germline. Affected: no.

GeneDx
Classification: Benign. Last evaluated: 2018-06-14. Review status: criteria provided, single submitter. Criteria: GeneDx Variant Classification (06012015). Collection method: clinical testing. Allele origin: germline. Affected: yes.
Comment: This variant is considered likely benign or benign based on one or more of the following criteria: it is a conservative change, it occurs at a poorly conserved position in the protein, it is predicted to be benign by multiple in silico algorithms, and/or has population frequency not consistent with disease.

Breakthrough Genomics
Classification: Benign. Review status: criteria provided, single submitter. Criteria: ACMG Guidelines, 2015. Collection method: not provided. Allele origin: germline. Inheritance: Autosomal recessive inheritance. Affected: yes.